The following is an entry in ClinVar:

ClinVar aggregate classification (germline): Uncertain significance (1 of 4 stars; one submission).

gnomAD v4.1: 1 of 1,613,550 alleles (0.000062%); highest among the groups gnomAD compares: African/African-American, 0.0013%; no homozygotes.

Submission:

Labcorp Genetics (formerly Invitae), Labcorp
Classification: Uncertain significance. Last evaluated: 2025-03-25. Review status: criteria provided, single submitter. Criteria: Invitae Variant Classification Sherloc (09022015). Collection method: clinical testing. Allele origin: germline.
Comment: This sequence change replaces arginine, which is basic and polar, with glycine, which is neutral and non-polar, at codon 332 of the HNRNPK protein (p.Arg332Gly). This variant is present in population databases (rs767261933, gnomAD 0.007%). This variant has not been reported in the literature in individuals affected with HNRNPK-related conditions. Invitae Evidence Modeling of protein sequence and biophysical properties (such as structural, functional, and spatial information, amino acid conservation, physicochemical variation, residue mobility, and thermodynamic stability) indicates that this missense variant is not expected to disrupt HNRNPK protein function with a negative predictive value of 80%. In summary, the available evidence is currently insufficient to determine the role of this variant in disease. Therefore, it has been classified as a Variant of Uncertain Significance.

NM_031263.4(HNRNPK):c.994C>G (p.Arg332Gly)

Gene: HNRNPK (heterogeneous nuclear ribonucleoprotein K; minus strand). Cytogenetic location: 9q21.32.
Variant type: single nucleotide variant.
Coding change: c.994C>G on transcript NM_031263.4 (MANE Select); coding-DNA position 994, C replaced by G.
Protein change: p.Arg332Gly; replaces arginine 332 with glycine.
Molecular consequence: missense variant.
Genome position (GRCh38, 1-based): chr9:83,971,686, G>C on the plus strand (C>G on the coding strand, the complement: HNRNPK is on the minus strand). VCF-style: chr9-83971686-G-C. GRCh37 (hg19) VCF-style: chr9-86586601-G-C.
Other names: c.922C>G, p.Arg308Gly (NM_001318186.2, NM_001318187.2); c.994C>G, p.Arg332Gly (NM_001318188.2, NM_002140.5, NM_031262.4); short protein forms R332G, R308G.
Identifiers: ClinVar variation 4742623 (VCV004742623.1).